The following is an entry in ClinVar:

ClinVar aggregate classification (germline): Uncertain significance (1 of 4 stars; one submission).

Submission:

Labcorp Genetics (formerly Invitae), Labcorp
Classification: Uncertain significance. Last evaluated: 2025-03-31. Review status: criteria provided, single submitter. Criteria: Invitae Variant Classification Sherloc (09022015). Collection method: clinical testing. Allele origin: germline.
Comment: This sequence change replaces alanine, which is neutral and non-polar, with serine, which is neutral and polar, at codon 477 of the SIAE protein (p.Ala477Ser). This variant is not present in population databases (gnomAD no frequency). This variant has not been reported in the literature in individuals affected with SIAE-related conditions. An algorithm developed to predict the effect of missense changes on protein structure and function (PolyPhen-2) suggests that this variant is likely to be tolerated. In summary, the available evidence is currently insufficient to determine the role of this variant in disease. Therefore, it has been classified as a Variant of Uncertain Significance.

NM_170601.5(SIAE):c.1429G>T (p.Ala477Ser)

Gene: SIAE (sialic acid acetylesterase; minus strand). Cytogenetic location: 11q24.2.
Variant type: single nucleotide variant.
Coding change: c.1429G>T on transcript NM_170601.5 (MANE Select); coding-DNA position 1429, G replaced by T.
Protein change: p.Ala477Ser; replaces alanine 477 with serine.
Molecular consequence: missense variant.
Genome position (GRCh38, 1-based): chr11:124,637,094, C>A on the plus strand (G>T on the coding strand, the complement: SIAE is on the minus strand). VCF-style: chr11-124637094-C-A. GRCh37 (hg19) VCF-style: chr11-124506990-C-A.
Other names: c.1324G>T, p.Ala442Ser (NM_001199922.2); short protein forms A442S, A477S.
Identifiers: ClinVar variation 3651654 (VCV003651654.2).
Genomic context (GRCh38, chr11:124,637,094, plus strand): 5'-GGTGGTATAGGGGACACTGCTTATATTCACAAGGCCACGTGGTCCAAGCATAGCGGAGAG[C>A]AACCACAGTGCCATGACAAGAATCGATCGCCAGGGTCAGGGACTGGGTGGAGACGGTGTT-3'
Protein context (NP_733746.1, residues 467-487): AIDSCHGTVV[Ala477Ser]LRYAWTTWPC